The following is an entry in ClinVar:

NM_001844.5(COL2A1):c.1178G>T (p.Gly393Val)

Gene: COL2A1 (collagen type II alpha 1 chain; minus strand). Cytogenetic location: 12q13.11.
Variant type: single nucleotide variant.
Coding change: c.1178G>T on transcript NM_001844.5 (MANE Select); coding-DNA position 1178, G replaced by T.
Protein change: p.Gly393Val; replaces glycine 393 with valine.
Molecular consequence: missense variant.
Genome position (GRCh38, 1-based): chr12:47,987,654, C>A on the plus strand (G>T on the coding strand, the complement: COL2A1 is on the minus strand). VCF-style: chr12-47987654-C-A. GRCh37 (hg19) VCF-style: chr12-48381437-C-A.
Other names: c.971G>T, p.Gly324Val (NM_033150.3); short protein forms G324V, G393V.
Identifiers: ClinVar variation 5043494 (VCV005043494.1).
Genomic context (GRCh38, chr12:47,987,654, plus strand): 5'-AGAGAAGCTGCACTTACGGAGGCACCAGCAGGCCCAGGGGACCCAGGAGTACCAGGTTCA[C>A]CGCGAGGACCTTGAGCACCTTCAGGACCACGGGCACCAGTGGGGCCGGCTTCACCCTGGG-3'
Protein context (NP_001835.3, residues 383-403): RGPEGAQGPR[Gly393Val]EPGTPGSPGP

ClinVar aggregate classification (germline): Likely pathogenic (1 of 4 stars; one submission).

Conditions:
Fetal anomalies with a likely genetic cause.

Submission:

Genetics Laboratory, Great Ormond Street Hospital NHS Foundation Trust, North Thames Genomic Laboratory Hub
Classification: Likely pathogenic for Fetal anomalies with a likely genetic cause. Last evaluated: 2026-09-24. Review status: criteria provided, single submitter. Criteria: ACGS Best Practice Guidelines for Variant Classification in Rare Disease 2024 v1.2. Collection method: clinical testing. Allele origin: germline. Affected: yes.
Comment: PM2_moderate, PP3_supporting, PM1_strong, PS2_supporting